The following is an entry in ClinVar:

ClinVar aggregate classification (germline): Likely benign. Review status: criteria provided, multiple submitters, no conflicts (2 of 4 stars). 3 submissions from 3 submitters: Likely benign (3). Last evaluated 2025-02-04.

Conditions:
Developmental and epileptic encephalopathy, 9 (DEE9). Also called: Early infantile epileptic encephalopathy 9; EPILEPSY, FEMALE-RESTRICTED, WITH MENTAL RETARDATION; PCDH19-Related X-Linked Female-Limited Epilepsy with Mental Retardation; JUBERG-HELLMAN SYNDROME. Identifiers: Orphanet 101039, Orphanet 2076, MedGen C1848137, MONDO:0010246, OMIM 300088. Disease mechanism: loss of function.

Allele frequency attached by ClinVar (database versions not stated): gnomAD exomes below 0.00001; gnomAD 0.00001; TOPMed 0.00001.

Submissions (3):

Labcorp Genetics (formerly Invitae), Labcorp
Classification: Likely benign for Developmental and epileptic encephalopathy, 9. Last evaluated: 2025-02-04. Review status: criteria provided, single submitter. Criteria: Invitae Variant Classification Sherloc (09022015). Collection method: clinical testing. Allele origin: germline.

Mayo Clinic Laboratories, Mayo Clinic
Classification: Likely benign. Last evaluated: 2024-12-26. Review status: criteria provided, single submitter. Criteria: ACMG Guidelines, 2015. Collection method: clinical testing. Allele origin: germline. Observed: 1 variant allele.
Comment: BP4, BP7

Blueprint Genetics
Classification: Likely benign. Last evaluated: 2024-03-11. Review status: criteria provided, single submitter. Criteria: ACMG Guidelines, 2015. Collection method: clinical testing. Allele origin: germline.

NM_001184880.2(PCDH19):c.13C>T (p.Leu5=)

Gene: PCDH19 (protocadherin 19; minus strand). Cytogenetic location: Xq22.1.
Variant type: single nucleotide variant.
Coding change: c.13C>T on transcript NM_001184880.2 (MANE Select); coding-DNA position 13, C replaced by T.
Protein change: p.Leu5=; no amino-acid change (leucine 5 retained).
Molecular consequence: synonymous variant.
Genome position (GRCh38, 1-based): chrX:100,408,585, G>A on the plus strand (C>T on the coding strand, the complement: PCDH19 is on the minus strand). VCF-style: chrX-100408585-G-A. GRCh37 (hg19) VCF-style: chrX-99663583-G-A.
Other names: p.Leu5=; c.13C>T, p.Leu5= (NM_001105243.2, NM_020766.3).
Identifiers: ClinVar variation 1933058 (VCV001933058.7), dbSNP rs1202054296, ClinGen allele CA517748531.